The following is an entry in ClinVar:

NM_001386140.1(MTTP):c.1204_1208delinsT (p.His402fs)

Gene: MTTP (microsomal triglyceride transfer protein; plus strand). Cytogenetic location: 4q23.
Variant type: Indel.
Coding change: c.1204_1208delinsT on transcript NM_001386140.1 (MANE Select); coding-DNA positions 1204 to 1208, CATCC replaced by T.
Protein change: p.His402fs; shifts the reading frame from histidine 402.
Molecular consequence: frameshift variant.
Genome position (GRCh38, 1-based): chr4:99,600,701-99,600,705, CATCC replaced by T. VCF-style: chr4-99600701-CATCC-T. GRCh37 (hg19) VCF-style: chr4-100521858-CATCC-T.
Other names: c.1204_1208delinsT, p.His402fs (NM_000253.4); c.955_959delinsT, p.His319fs (NM_001300785.2); short protein forms H319fs, H402fs.
Identifiers: ClinVar variation 5010920 (VCV005010920.1).
Genomic context (GRCh38, chr4:99,600,701, plus strand): 5'-AAAAGTGACAGCAGCATTATCCTCCAGGAGAGGTTTCTCTATGCCTGTGGATTTGCTTCT[CATCC>T]CAATGAAGAACTCCTGAGAGCCCTCATTGTAAGTCAAATAGAAAATAAAGACCCTCAACT-3'

ClinVar aggregate classification (germline): Pathogenic (1 of 4 stars; one submission).

Conditions:
Abetalipoproteinaemia (ABL). Also called: MTP DEFICIENCY; Abetalipoproteinemia; Abetalipoproteinemia neuropathy; Apolipoprotein B deficiency; Congenital betalipoprotein deficiency syndrome. Identifiers: Orphanet 14, MedGen C0000744, MONDO:0008692, OMIM 200100, HP:0008181.

Submission:

Myriad Genetics, Inc.
Classification: Pathogenic for Abetalipoproteinaemia. Last evaluated: 2024-05-14. Review status: criteria provided, single submitter. Criteria: Myriad Autosomal Dominant, Autosomal Recessive and X-Linked Classification Criteria (2023). Collection method: clinical testing. Allele origin: unknown.
Comment: NM_000253.2(MTTP):c.1204_1208del5ins1(H402Sfs*6) is expected to be pathogenic in the context of abetalipoproteinemia. This variant is predicted to lead to an abnormal or absent protein product due to the creation of a premature termination codon in MTTP, a gene where loss-of-function variants are known to be pathogenic. Please note: this variant was assessed in the context of healthy population screening.